The following is an entry in ClinVar:

ClinVar aggregate classification (somatic clinical impact): Tier I - Strong (0 of 4 stars; one submission).

Conditions:
Colorectal cancer. Also called: Colorectal cancer, somatic; Malignant Colorectal Neoplasm. Identifiers: MedGen C0346629, MONDO:0005575, OMIM 114500.

Submission:

Department of Clinical Biochemistry, Naestved Hospital
Classification: Tier I - Strong for Colorectal cancer. Assertion type: prognostic. Clinical significance: better outcome. Last evaluated: 2024-10-10. Review status: no assertion criteria provided. Collection method: research. Allele origin: somatic.
Comment: Likely loss of function

NM_000038.6(APC):c.4356del (p.Pro1453fs)

Gene: APC (APC regulator of Wnt signaling pathway; plus strand). Cytogenetic location: 5q22.2.
Variant type: Deletion.
Coding change: c.4356del on transcript NM_000038.6 (MANE Select); coding-DNA position 4356, one base deleted (A; older notation c.4356delA).
Protein change: p.Pro1453fs; shifts the reading frame from proline 1453.
Molecular consequence: frameshift variant. On other transcripts: non-coding transcript variant (2).
Genome position (GRCh38, 1-based): chr5:112,839,950, A deleted. VCF-style (leftmost placement, unchanged base first): chr5-112839949-TA-T. GRCh37 (hg19) VCF-style: chr5-112175646-TA-T.
Other names: c.4356del, p.Pro1453fs (NM_001127510.3, NM_001354895.2, NM_001407450.1); c.4302del, p.Pro1435fs (NM_001127511.3); c.4410del, p.Pro1471fs (NM_001354896.2, NM_001407447.1, NM_001407448.1 and 1 more transcripts); c.4386del, p.Pro1463fs (NM_001354897.2); c.4281del, p.Pro1428fs (NM_001354898.2); c.4272del, p.Pro1425fs (NM_001354899.2); c.4233del, p.Pro1412fs (NM_001354900.2); c.4179del, p.Pro1394fs (NM_001354901.2, NM_001407453.1); and 12 more; short protein forms P1069fs, P1170fs, P1293fs, P1324fs, P1327fs, P1352fs, P1362fs, P1370fs.
Identifiers: ClinVar variation 3897925 (VCV003897925.1).